The following is an entry in ClinVar:

NM_182961.4(SYNE1):c.19289C>G (p.Ser6430Cys)

Gene: SYNE1 (spectrin repeat containing nuclear envelope protein 1; minus strand). Cytogenetic location: 6q25.2.
Variant type: single nucleotide variant.
Coding change: c.19289C>G on transcript NM_182961.4 (MANE Select); coding-DNA position 19289, C replaced by G.
Protein change: p.Ser6430Cys; replaces serine 6430 with cysteine.
Molecular consequence: missense variant.
Genome position (GRCh38, 1-based): chr6:152,255,061, G>C on the plus strand (C>G on the coding strand, the complement: SYNE1 is on the minus strand). VCF-style: chr6-152255061-G-C. GRCh37 (hg19) VCF-style: chr6-152576196-G-C.
Other names: c.19076C>G, p.Ser6359Cys (NM_033071.5); short protein forms S6359C, S6430C.
Identifiers: ClinVar variation 1714776 (VCV001714776.5), dbSNP rs2551846619, ClinGen allele CA366136635.

ClinVar aggregate classification (germline): Uncertain significance (1 of 4 stars; one submission).

Conditions:
Emery-Dreifuss muscular dystrophy 4, autosomal dominant (EDMD4). Also called: EMERY-DREIFUSS MUSCULAR DYSTROPHY 4 WITH VARIABLE FEATURES. Identifiers: Orphanet 261, MedGen C2751807, MONDO:0013071, OMIM 612998.
Autosomal recessive ataxia, Beauce type. Also called: SYNE1-Related Autosomal Recessive Cerebellar Ataxia; SYNE1 Deficiency; Spinocerebellar ataxia, autosomal recessive 8; ATAXIA, RECESSIVE, OF BEAUCE. Identifiers: Orphanet 88644, MedGen C1853116, MONDO:0012549, OMIM 610743.

Submission:

Labcorp Genetics (formerly Invitae), Labcorp
Classification: Uncertain significance for Emery-Dreifuss muscular dystrophy 4, autosomal dominant; Autosomal recessive ataxia, Beauce type. Last evaluated: 2022-08-02. Review status: criteria provided, single submitter. Criteria: Invitae Variant Classification Sherloc (09022015). Collection method: clinical testing. Allele origin: germline.
Comment: This variant has not been reported in the literature in individuals affected with SYNE1-related conditions. This variant is not present in population databases (gnomAD no frequency). This sequence change replaces serine, which is neutral and polar, with cysteine, which is neutral and slightly polar, at codon 6359 of the SYNE1 protein (p.Ser6359Cys). Algorithms developed to predict the effect of missense changes on protein structure and function (SIFT, PolyPhen-2, Align-GVGD) all suggest that this variant is likely to be disruptive. In summary, the available evidence is currently insufficient to determine the role of this variant in disease. Therefore, it has been classified as a Variant of Uncertain Significance.